The following is an entry in ClinVar:

ClinVar aggregate classification (germline): Benign (0 of 4 stars; one submission).

Conditions:
EPPK1-related disorder. Also called: EPPK1-related condition.

Allele frequency attached by ClinVar (database versions not stated): 1000 Genomes Project 30x 0.00250; 1000 Genomes Project 0.00319; TOPMed 0.00635; ESP Exome Variant Server 0.00702; ExAC 0.00825; gnomAD 0.00846.
gnomAD v4.1: 16,036 of 1,610,108 alleles (1%); highest among the groups gnomAD compares: Non-Finnish European, 1.1%; 118 homozygotes.

Submission:

PreventionGenetics, part of Exact Sciences
Classification: Benign for EPPK1-related condition. Last evaluated: 2021-04-20. Review status: no assertion criteria provided. Collection method: clinical testing. Allele origin: germline.
Comment: This variant is classified as benign based on ACMG/AMP sequence variant interpretation guidelines (Richards et al. 2015 PMID: 25741868, with internal and published modifications).

NM_031308.4(EPPK1):c.4226G>A (p.Arg1409Gln)

Gene: EPPK1 (epiplakin 1; minus strand). Cytogenetic location: 8q24.3.
Variant type: single nucleotide variant.
Coding change: c.4226G>A on transcript NM_031308.4 (MANE Select); coding-DNA position 4226, G replaced by A.
Protein change: p.Arg1409Gln; replaces arginine 1409 with glutamine.
Molecular consequence: missense variant.
Genome position (GRCh38, 1-based): chr8:143,869,028, C>T on the plus strand (G>A on the coding strand, the complement: EPPK1 is on the minus strand). VCF-style: chr8-143869028-C-T. GRCh37 (hg19) VCF-style: chr8-144943196-C-T.
Other names: short protein forms R1409Q.
Identifiers: ClinVar variation 3053721 (VCV003053721.2), dbSNP rs74777588, ClinGen allele CA4922555.